The following is an entry in ClinVar:

NM_001353345.2(SETD1B):c.4522dup (p.Leu1508fs)

Gene: SETD1B (SET domain containing 1B, histone lysine methyltransferase; plus strand). Cytogenetic location: 12q24.31.
Variant type: Duplication.
Coding change: c.4522dup on transcript NM_001353345.2 (MANE Select); coding-DNA position 4522, one base duplicated (C; older notation c.4522dupC).
Protein change: p.Leu1508fs; shifts the reading frame from leucine 1508.
Molecular consequence: frameshift variant.
Genome position (GRCh38, 1-based): chr12:121,823,101, C duplicated; the last of 6 consecutive C bases (chr12:121,823,096-121,823,101); duplicating any one gives the same sequence. VCF-style (leftmost placement, unchanged base first): chr12-121823095-G-GC. GRCh37 (hg19) VCF-style: chr12-122261001-G-GC.
Other names: c.4522dupC (NM_001353345.1); short protein forms L1508fs.
Identifiers: ClinVar variation 818025 (VCV000818025.1), dbSNP rs1592988488, ClinGen allele CA915946728.

ClinVar aggregate classification (germline): Pathogenic (1 of 4 stars; one submission).

Submission:

GeneDx
Classification: Pathogenic. Last evaluated: 2019-02-12. Review status: criteria provided, single submitter. Criteria: GeneDx Variant Classification (06012015). Collection method: clinical testing. Allele origin: germline. Affected: yes.
Comment: The c.4522dupC pathogenic variant in the SETD1B gene causes a frameshift starting with codon Leucine 1508, changes this amino acid to a Proline residue and creates a premature Stop codon at position 59 of the new reading frame, denoted p.Leu1508ProfsX59. This pathogenic variant is predicted to cause loss of normal protein function either through protein truncation or nonsense-mediated mRNA decay. The c.4522dupC variant is not observed in large population cohorts (Lek et al., 2016).